The following is an entry in ClinVar:

ClinVar aggregate classification (germline): Pathogenic/Likely pathogenic. Review status: criteria provided, multiple submitters, no conflicts (2 of 4 stars). 3 submissions from 3 submitters: Pathogenic (2); Likely pathogenic (1). Last evaluated 2024-02-12.

Conditions:
Cystic fibrosis (CF). Also called: MUCOVISCIDOSIS. Identifiers: Orphanet 586, MedGen C0010674, MONDO:0009061, OMIM 219700. Disease mechanism: loss of function.

Submissions (3):

Women's Health and Genetics/Laboratory Corporation of America, LabCorp
Classification: Likely pathogenic for Cystic fibrosis. Last evaluated: 2024-02-12. Review status: criteria provided, single submitter. Criteria: LabCorp Variant Classification Summary - May 2015. Collection method: clinical testing. Allele origin: germline.
Comment: Variant summary: CFTR c.274-5_274-2delTGTA is located in a canonical splice-site and is predicted to affect mRNA splicing resulting in a significantly altered protein due to either exon skipping, shortening, or inclusion of intronic material. Several computational tools predict a significant impact on normal splicing: Four predict the variant abolishes a 5' splicing donor site. Two predict the variant creates a 5' donor site. However, these predictions have yet to be confirmed by functional studies. The variant was absent in 250412 control chromosomes (gnomAD). To our knowledge, no occurrence of c.274-5_274-2delTGTA in individuals affected with Cystic Fibrosis and no experimental evidence demonstrating its impact on protein function have been reported. ClinVar contains an entry for this variant (Variation ID: 694030). Based on the evidence outlined above, the variant was classified as likely pathogenic.

GeniaGeo, Laboratorio Genia
Classification: Pathogenic for Cystic fibrosis. Last evaluated: 2019-10-04. Review status: criteria provided, single submitter. Criteria: ACMG Guidelines, 2015. Collection method: clinical testing. Allele origin: germline. Inheritance: Autosomal recessive inheritance. Affected: yes. Observed: 1 compound heterozygote.

Labcorp Genetics (formerly Invitae), Labcorp
Classification: Pathogenic for Cystic fibrosis. Last evaluated: 2019-03-06. Review status: criteria provided, single submitter. Criteria: Invitae Variant Classification Sherloc (09022015). Collection method: clinical testing. Allele origin: germline.
Comment: For these reasons, this variant has been classified as Pathogenic. Donor and acceptor splice site variants typically lead to a loss of protein function (PMID: 16199547), and loss-of-function variants in CFTR are known to be pathogenic (PMID: 1695717, 7691345, 9725922). Variants that affect this acceptor splice site have been observed in individuals affected with cystic fibrosis (PMID: 15365999, 11668613). This variant is not present in population databases (ExAC no frequency). This sequence change affects an acceptor splice site in intron 3 of the CFTR gene. It is expected to disrupt RNA splicing and likely results in an absent or disrupted protein product.

Literature cited by the submitters: PubMed 16199547 (cited by Labcorp Genetics (formerly Invitae), Labcorp); PubMed 1695717 (cited by Labcorp Genetics (formerly Invitae), Labcorp); PubMed 7691345 (cited by Labcorp Genetics (formerly Invitae), Labcorp); PubMed 9725922 (cited by Labcorp Genetics (formerly Invitae), Labcorp); PubMed 15365999 (cited by Labcorp Genetics (formerly Invitae), Labcorp); PubMed 11668613 (cited by Labcorp Genetics (formerly Invitae), Labcorp).

NM_000492.4(CFTR):c.274-5_274-2del

Gene: CFTR (CF transmembrane conductance regulator; plus strand). Cytogenetic location: 7q31.2.
Variant type: Deletion.
Coding change: c.274-5_274-2del on transcript NM_000492.4 (MANE Select); 5 bases into the intron before coding-DNA position 274 through the canonical splice acceptor site of the intron before coding-DNA position 274, 4 bases deleted (TGTA; older notation c.274-5_274-2delTGTA).
Molecular consequence: splice acceptor variant.
Genome position (GRCh38, 1-based): chr7:117,530,894-117,530,897, TGTA deleted. VCF-style (leftmost placement, unchanged base first): chr7-117530893-TTGTA-T. GRCh37 (hg19) VCF-style: chr7-117170947-TTGTA-T.
Other names: c.274-5_274-2delTGTA (NM_000492.4).
Identifiers: ClinVar variation 694030 (VCV000694030.12), dbSNP rs1584784850, ClinGen allele CA915945470.